The following is an entry in ClinVar:

NM_000540.3(RYR1):c.4082C>T (p.Pro1361Leu)

Gene: RYR1 (ryanodine receptor 1; plus strand). Cytogenetic location: 19q13.2.
Variant type: single nucleotide variant.
Coding change: c.4082C>T on transcript NM_000540.3 (MANE Select); coding-DNA position 4082, C replaced by T.
Protein change: p.Pro1361Leu; replaces proline 1361 with leucine.
Molecular consequence: missense variant.
Genome position (GRCh38, 1-based): chr19:38,473,693, C>T. VCF-style: chr19-38473693-C-T. GRCh37 (hg19) VCF-style: chr19-38964333-C-T.
Other names: c.4082C>T, p.Pro1361Leu (NM_001042723.2); short protein forms P1361L.
Identifiers: ClinVar variation 3070385 (VCV003070385.3), dbSNP rs1267405596, ClinGen allele CA405642976.
Genomic context (GRCh38, chr19:38,473,693, plus strand): 5'-GGAGCGAGGCAGAGAACGGCAAAGAAGGGACTGCGAAGGAGGGCGCCCCCGGGGGCACCC[C>T]GCAGGCGGGGGGAGAGGCGCAGCCCGCCAGGGCGGAGAATGAGAAGGATGCCACCACCGA-3'
Protein context (NP_000531.2, residues 1351-1371): TAKEGAPGGT[Pro1361Leu]QAGGEAQPAR

ClinVar aggregate classification (germline): Uncertain significance. Review status: criteria provided, multiple submitters, no conflicts (2 of 4 stars). 2 submissions from 2 submitters: Uncertain significance (2). Last evaluated 2024-03-24.

Conditions:
Malignant hyperthermia, susceptibility to, 1 (MHS1). Also called: RYR1-Related Malignant Hyperthermia Susceptibility; Anesthesia related hyperthermia; Malignant hyperpyrexia; Fulminating hyperpyrexia; Pharmacogenic myopathy; Malignant hyperthermia suceptibility 1. Identifiers: Orphanet 423, MedGen C2930980, MONDO:0007783, OMIM 145600.

Allele frequency attached by ClinVar (database versions not stated): TOPMed below 0.00001.

Submissions (2):

All of Us Research Program, National Institutes of Health
Classification: Uncertain significance for Malignant hyperthermia, susceptibility to, 1. Last evaluated: 2024-03-24. Review status: criteria provided, single submitter. Criteria: ACMG Guidelines, 2015. Collection method: clinical testing. Allele origin: germline. Inheritance: Autosomal dominant inheritance. Observed: 2 variant alleles, 2 heterozygotes.
Comment: This missense variant replaces proline with leucine at codon 1361 of the RYR1 protein. Computational prediction suggests that this variant may not impact protein structure and function (internally defined REVEL score threshold <= 0.5, PMID: 27666373). To our knowledge, functional studies have not been reported for this variant. This variant has not been reported in individuals affected with RYR1-related disorders in the literature. This variant has not been identified in the general population by the Genome Aggregation Database (gnomAD). The available evidence is insufficient to determine the role of this variant in disease conclusively. Therefore, this variant is classified as a Variant of Uncertain Significance.

This study involves interpretation of variants in research participants for the purpose of population health screening. Participant phenotype was not available at the time of variant classification. Additional details can be found in publication PMID: 35346344, PMCID: PMC8962531

Color Diagnostics, LLC DBA Color Health
Classification: Uncertain significance for Malignant hyperthermia, susceptibility to, 1. Last evaluated: 2024-02-28. Review status: criteria provided, single submitter. Criteria: ACMG Guidelines, 2015. Collection method: clinical testing. Allele origin: germline.
Comment: This missense variant replaces proline with leucine at codon 1361 of the RYR1 protein. Computational prediction suggests that this variant may not impact protein structure and function. To our knowledge, functional studies have not been reported for this variant. This variant has not been reported in individuals affected with RYR1-related disorders in the literature. This variant has not been identified in the general population by the Genome Aggregation Database (gnomAD). The available evidence is insufficient to determine the role of this variant in disease conclusively. Therefore, this variant is classified as a Variant of Uncertain Significance.